The following is an entry in ClinVar:

NM_181507.2(HPS5):c.611+6T>C

Gene: HPS5 (HPS5 biogenesis of lysosomal organelles complex 2 subunit 2; minus strand). Cytogenetic location: 11p15.1.
Variant type: single nucleotide variant.
Coding change: c.611+6T>C on transcript NM_181507.2 (MANE Select); 6 bases into the intron after coding-DNA position 611, T replaced by C.
Molecular consequence: intron variant.
Genome position (GRCh38, 1-based): chr11:18,308,940, A>G on the plus strand (T>C on the coding strand, the complement: HPS5 is on the minus strand). VCF-style: chr11-18308940-A-G. GRCh37 (hg19) VCF-style: chr11-18330487-A-G.
Other names: c.611+6T>C (NM_001440904.1, NM_001440902.1, NM_001440931.1 and 6 more transcripts); c.425+6T>C (NM_001440918.1); c.536+6T>C (NM_001440908.1, NM_001440907.1, NM_001440909.1); c.269+6T>C (NM_001440929.1, NM_181508.2, NM_001440921.1 and 10 more transcripts); c.500+6T>C (NM_001440915.1, NM_001440914.1, NM_001440913.1).
Identifiers: ClinVar variation 1512763 (VCV001512763.3), dbSNP rs756885556, ClinGen allele CA5910390.

ClinVar aggregate classification (germline): Uncertain significance (1 of 4 stars; one submission).

Allele frequency attached by ClinVar (database versions not stated): gnomAD exomes below 0.00001; ExAC 0.00001.

Submission:

Labcorp Genetics (formerly Invitae), Labcorp
Classification: Uncertain significance. Last evaluated: 2022-07-26. Review status: criteria provided, single submitter. Criteria: Invitae Variant Classification Sherloc (09022015). Collection method: clinical testing. Allele origin: germline.
Comment: This sequence change falls in intron 6 of the HPS5 gene. It does not directly change the encoded amino acid sequence of the HPS5 protein. It affects a nucleotide within the consensus splice site. This variant is present in population databases (rs756885556, gnomAD 0.0009%). This variant has not been reported in the literature in individuals affected with HPS5-related conditions. ClinVar contains an entry for this variant (Variation ID: 1512763). Variants that disrupt the consensus splice site are a relatively common cause of aberrant splicing (PMID: 17576681, 9536098). Algorithms developed to predict the effect of sequence changes on RNA splicing suggest that this variant is not likely to affect RNA splicing. In summary, the available evidence is currently insufficient to determine the role of this variant in disease. Therefore, it has been classified as a Variant of Uncertain Significance.

Literature cited by the submitters: PubMed 17576681; PubMed 9536098.